The following is an entry in ClinVar:

NM_182914.3(SYNE2):c.7629G>C (p.Lys2543Asn)

Gene: SYNE2 (spectrin repeat containing nuclear envelope protein 2; plus strand). Cytogenetic location: 14q23.2.
Variant type: single nucleotide variant.
Coding change: c.7629G>C on transcript NM_182914.3 (MANE Select); coding-DNA position 7629, G replaced by C.
Protein change: p.Lys2543Asn; replaces lysine 2543 with asparagine.
Molecular consequence: missense variant.
Genome position (GRCh38, 1-based): chr14:64,049,862, G>C. VCF-style: chr14-64049862-G-C. GRCh37 (hg19) VCF-style: chr14-64516580-G-C.
Other names: c.7629G>C, p.Lys2543Asn (NM_015180.6); short protein forms K2543N.
Identifiers: ClinVar variation 4746661 (VCV004746661.1).
Genomic context (GRCh38, chr14:64,049,862, plus strand): 5'-AGATTTTCAGGAATACCTTGCTGCAGTTGAATCTTCAATGAAAGCCTTGTTGACAGACAA[G>C]GAAAGTCTTAAAGTGTAAGTGTAAGAATTTAGGACTTGCATTCTTTTTATTCAAGCACAA-3'
Protein context (NP_878918.2, residues 2533-2553): ESSMKALLTD[Lys2543Asn]ESLKVGPLDS

ClinVar aggregate classification (germline): Uncertain significance (1 of 4 stars; one submission).

Conditions:
Emery-Dreifuss muscular dystrophy 5, autosomal dominant (EDMD5). Also called: EMERY-DREIFUSS MUSCULAR DYSTROPHY 5. Identifiers: Orphanet 261, MedGen C2751805, MONDO:0013072, OMIM 612999.

gnomAD v4.1: 2 of 1,614,042 alleles (0.00012%); highest among the groups gnomAD compares: Non-Finnish European, 0.00017%; no homozygotes.

Submission:

Labcorp Genetics (formerly Invitae), Labcorp
Classification: Uncertain significance for Emery-Dreifuss muscular dystrophy 5, autosomal dominant. Last evaluated: 2025-03-31. Review status: criteria provided, single submitter. Criteria: Invitae Variant Classification Sherloc (09022015). Collection method: clinical testing. Allele origin: germline.
Comment: This sequence change replaces lysine, which is basic and polar, with asparagine, which is neutral and polar, at codon 2543 of the SYNE2 protein (p.Lys2543Asn). This variant is not present in population databases (gnomAD no frequency). This variant has not been reported in the literature in individuals affected with SYNE2-related conditions. An algorithm developed to predict the effect of missense changes on protein structure and function (PolyPhen-2) suggests that this variant is likely to be disruptive. In summary, the available evidence is currently insufficient to determine the role of this variant in disease. Therefore, it has been classified as a Variant of Uncertain Significance.